The following is an entry in ClinVar:

ClinVar aggregate classification (germline): Uncertain significance (1 of 4 stars; one submission).

Submission:

GeneDx
Classification: Uncertain significance. Last evaluated: 2023-01-03. Review status: criteria provided, single submitter. Criteria: GeneDx Variant Classification Process June 2021. Collection method: clinical testing. Allele origin: germline. Affected: yes.
Comment: Not observed at significant frequency in large population cohorts (gnomAD); In silico analysis supports that this missense variant does not alter protein structure/function; Has not been previously published as pathogenic or benign to our knowledge

NM_001375524.1(TRRAP):c.10028G>A (p.Arg3343Lys)

Gene: TRRAP (transformation/transcription domain associated protein; plus strand). Cytogenetic location: 7q22.1.
Variant type: single nucleotide variant.
Coding change: c.10028G>A on transcript NM_001375524.1 (MANE Select); coding-DNA position 10028, G replaced by A.
Protein change: p.Arg3343Lys; replaces arginine 3343 with lysine.
Molecular consequence: missense variant.
Genome position (GRCh38, 1-based): chr7:98,993,718, G>A. VCF-style: chr7-98993718-G-A. GRCh37 (hg19) VCF-style: chr7-98591341-G-A.
Other names: c.9986G>A, p.Arg3329Lys (NM_001244580.2); c.9899G>A, p.Arg3300Lys (NM_003496.4); short protein forms R3300K, R3329K, R3343K.
Identifiers: ClinVar variation 2507383 (VCV002507383.1), dbSNP rs2485010861, ClinGen allele CA368331820.